The following is an entry in ClinVar:

NM_000189.5(HK2):c.426A>T (p.Gln142His)

Gene: HK2 (hexokinase 2; plus strand). Cytogenetic location: 2p12.
Variant type: single nucleotide variant.
Coding change: c.426A>T on transcript NM_000189.5 (MANE Select); coding-DNA position 426, A replaced by T.
Protein change: p.Gln142His; replaces glutamine 142 with histidine.
Molecular consequence: missense variant.
Genome position (GRCh38, 1-based): chr2:74,872,350, A>T. VCF-style: chr2-74872350-A-T. GRCh37 (hg19) VCF-style: chr2-75099477-A-T.
Other names: c.342A>T, p.Gln114His (NM_001371525.2); short protein forms Q114H, Q142H.
Identifiers: ClinVar variation 3056615 (VCV003056615.2), dbSNP rs2229621, ClinGen allele CA1731088.

ClinVar aggregate classification (germline): Benign (0 of 4 stars; one submission).

Conditions:
HK2-related disorder. Also called: HK2-related condition.

Allele frequency attached by ClinVar (database versions not stated): gnomAD exomes 0.18167; TOPMed 0.18305; 1000 Genomes Project 0.17951; 1000 Genomes Project 30x 0.18239; ExAC 0.18275; ESP Exome Variant Server 0.19076.
gnomAD v4.1: 293,974 of 1,613,314 alleles (18%); highest among the groups gnomAD compares: Middle Eastern, 24%; 27,443 homozygotes.

Submission:

PreventionGenetics, part of Exact Sciences
Classification: Benign for HK2-related condition. Last evaluated: 2019-10-28. Review status: no assertion criteria provided. Collection method: clinical testing. Allele origin: germline.
Comment: This variant is classified as benign based on ACMG/AMP sequence variant interpretation guidelines (Richards et al. 2015 PMID: 25741868, with internal and published modifications).